The following is an entry in ClinVar:

ClinVar aggregate classification (germline): Uncertain significance (1 of 4 stars; one submission).

Conditions:
Hereditary lymphedema type I (LMPHM1). Also called: LYMPHATIC MALFORMATION 1; Nonne-Milroy disease; Congenital hereditary lymphedema; Early onset lymphedema; Hereditary lymphedema 1; Primary congenital lymphedema. Identifiers: Orphanet 79452, MedGen C1704423, MONDO:0007919, OMIM 153100.

Submission:

Juno Genomics, Hangzhou Juno Genomics, Inc
Classification: Uncertain significance for Hereditary lymphedema type I. Review status: criteria provided, single submitter. Criteria: ACMG Guidelines, 2015. Collection method: clinical testing. Allele origin: germline. Affected: yes.
Comment: Absent from controls (or at extremely low frequency if recessive) in Genome Aggregation Database, Exome Sequencing Project, 1000 Genomes Project, or Exome Aggregation Consortium.;De novo (both maternity and paternity confirmed) in a patient with the disease and no family history.;Patient's phenotype or family history is highly specific for a disease with a single genetic etiology.

NM_182925.5(FLT4):c.3820G>C (p.Asp1274His)

Gene: FLT4 (fms related receptor tyrosine kinase 4; minus strand). Cytogenetic location: 5q35.3.
Variant type: single nucleotide variant.
Coding change: c.3820G>C on transcript NM_182925.5 (MANE Select); coding-DNA position 3820, G replaced by C.
Protein change: p.Asp1274His; replaces aspartic acid 1274 with histidine.
Molecular consequence: missense variant.
Genome position (GRCh38, 1-based): chr5:180,609,041, C>G on the plus strand (G>C on the coding strand, the complement: FLT4 is on the minus strand). VCF-style: chr5-180609041-C-G. GRCh37 (hg19) VCF-style: chr5-180036041-C-G.
Other names: c.3820G>C, p.Asp1274His (NM_001354989.2, NM_002020.5); short protein forms D1274H.
Identifiers: ClinVar variation 3764695 (VCV003764695.2).